The following is an entry in ClinVar:

NM_000979.4(RPL18):c.526C>T (p.Arg176Cys)

Gene: RPL18 (ribosomal protein L18; minus strand). Cytogenetic location: 19q13.33.
Variant type: single nucleotide variant.
Coding change: c.526C>T on transcript NM_000979.4 (MANE Select); coding-DNA position 526, C replaced by T.
Protein change: p.Arg176Cys; replaces arginine 176 with cysteine.
Molecular consequence: missense variant. On other transcripts: non-coding transcript variant (1).
Genome position (GRCh38, 1-based): chr19:48,615,413, G>A on the plus strand (C>T on the coding strand, the complement: RPL18 is on the minus strand). VCF-style: chr19-48615413-G-A. GRCh37 (hg19) VCF-style: chr19-49118670-G-A.
Other names: c.439C>T, p.Arg147Cys (NM_001270490.2); short protein forms R176C, R147C.
Identifiers: ClinVar variation 2763024 (VCV002763024.3), dbSNP rs780751812, ClinGen allele CA9553952.

ClinVar aggregate classification (germline): Uncertain significance (1 of 4 stars; one submission).

Allele frequency attached by ClinVar (database versions not stated): gnomAD exomes 0.00001; ExAC 0.00003; gnomAD 0.00004; TOPMed 0.00005.
gnomAD v4.1: 22 of 1,612,998 alleles (0.0014%); highest among the groups gnomAD compares: African/African-American, 0.011%; no homozygotes.

Submission:

Labcorp Genetics (formerly Invitae), Labcorp
Classification: Uncertain significance. Last evaluated: 2023-06-04. Review status: criteria provided, single submitter. Criteria: Invitae Variant Classification Sherloc (09022015). Collection method: clinical testing. Allele origin: germline.
Comment: This sequence change replaces arginine, which is basic and polar, with cysteine, which is neutral and slightly polar, at codon 176 of the RPL18 protein (p.Arg176Cys). This variant is present in population databases (rs780751812, gnomAD 0.02%). This variant has not been reported in the literature in individuals affected with RPL18-related conditions. An algorithm developed to predict the effect of missense changes on protein structure and function (PolyPhen-2) suggests that this variant is likely to be tolerated. In summary, the available evidence is currently insufficient to determine the role of this variant in disease. Therefore, it has been classified as a Variant of Uncertain Significance.